The following is an entry in ClinVar:

NM_176787.5(PIGN):c.460G>A (p.Val154Ile)

Gene: PIGN (phosphatidylinositol glycan anchor biosynthesis class N; minus strand). Cytogenetic location: 18q21.33.
Variant type: single nucleotide variant.
Coding change: c.460G>A on transcript NM_176787.5 (MANE Select); coding-DNA position 460, G replaced by A.
Protein change: p.Val154Ile; replaces valine 154 with isoleucine.
Molecular consequence: missense variant.
Genome position (GRCh38, 1-based): chr18:62,154,634, C>T on the plus strand (G>A on the coding strand, the complement: PIGN is on the minus strand). VCF-style: chr18-62154634-C-T. GRCh37 (hg19) VCF-style: chr18-59821867-C-T.
Other names: c.460G>A, p.Val154Ile (NM_012327.6); c.460G>A (NM_176787.4); short protein forms V154I.
Identifiers: ClinVar variation 444435 (VCV000444435.47), dbSNP rs181730303, ClinGen allele CA8982578.

ClinVar aggregate classification (germline): Uncertain significance. Review status: criteria provided, multiple submitters, no conflicts (2 of 4 stars). 3 submissions from 3 submitters: Uncertain significance (3). Last evaluated 2025-08-21.

Conditions:
Multiple congenital anomalies-hypotonia-seizures syndrome 1 (MCAHS1). Also called: PIGN-CDG; Congenital disorder of glycosylation due to PIGN deficiency; GLYCOSYLPHOSPHATIDYLINOSITOL BIOSYNTHESIS DEFECT 3. Identifiers: Orphanet 280633, MedGen C3279775, MONDO:0013563, OMIM 614080.
Inborn genetic diseases. Identifiers: MedGen C0950123, MeSH D030342.

Allele frequency attached by ClinVar (database versions not stated): gnomAD exomes 0.00002 and 0.00004; ExAC 0.00004; gnomAD 0.00005 and 0.00006; ESP Exome Variant Server 0.00008; TOPMed 0.00011; 1000 Genomes Project 30x 0.00031; 1000 Genomes Project 0.00040.
gnomAD v4.1: 38 of 1,545,026 alleles (0.0025%); highest among the groups gnomAD compares: East Asian, 0.056%; no homozygotes.

Submissions (3):

Ambry Genetics
Classification: Uncertain significance for Inborn genetic diseases. Last evaluated: 2025-08-21. Review status: criteria provided, single submitter. Criteria: Ambry Variant Classification Scheme 2023. Collection method: clinical testing. Allele origin: germline.

Labcorp Genetics (formerly Invitae), Labcorp
Classification: Uncertain significance for Multiple congenital anomalies-hypotonia-seizures syndrome 1. Last evaluated: 2022-06-04. Review status: criteria provided, single submitter. Criteria: Invitae Variant Classification Sherloc (09022015). Collection method: clinical testing. Allele origin: germline.
Comment: This sequence change replaces valine, which is neutral and non-polar, with isoleucine, which is neutral and non-polar, at codon 154 of the PIGN protein (p.Val154Ile). This variant is present in population databases (rs181730303, gnomAD 0.05%). This variant has not been reported in the literature in individuals affected with PIGN-related conditions. ClinVar contains an entry for this variant (Variation ID: 444435). Algorithms developed to predict the effect of missense changes on protein structure and function output the following: SIFT: "Tolerated"; PolyPhen-2: "Benign"; Align-GVGD: "Class C0". The isoleucine amino acid residue is found in multiple mammalian species, which suggests that this missense change does not adversely affect protein function. In summary, the available evidence is currently insufficient to determine the role of this variant in disease. Therefore, it has been classified as a Variant of Uncertain Significance.

CeGaT Center for Human Genetics Tuebingen
Classification: Uncertain significance. Last evaluated: 2017-07-01. Review status: criteria provided, single submitter. Criteria: CeGaT Center For Human Genetics Tuebingen Variant Classification Criteria Version 2. Collection method: clinical testing. Allele origin: germline. Affected: yes. Observed: 1 variant allele.